The following is an entry in ClinVar:

ClinVar aggregate classification (germline): Uncertain significance (1 of 4 stars; one submission).

Conditions:
Glycogen storage disease IXb (GSD9B). Also called: GLYCOGENOSIS OF LIVER AND MUSCLE, AUTOSOMAL RECESSIVE; GSD IXb; PHOSPHORYLASE KINASE DEFICIENCY OF LIVER AND MUSCLE, AUTOSOMAL RECESSIVE. Identifiers: Orphanet 79240, MedGen C0543514, MONDO:0009868, OMIM 261750.

Allele frequency attached by ClinVar (database versions not stated): TOPMed below 0.00001; gnomAD 0.00001.
gnomAD v4.1: 7 of 1,612,606 alleles (0.00043%); highest among the groups gnomAD compares: East Asian, 0.0022%; no homozygotes.

Submission:

Labcorp Genetics (formerly Invitae), Labcorp
Classification: Uncertain significance for Glycogen storage disease IXb. Last evaluated: 2022-03-21. Review status: criteria provided, single submitter. Criteria: Invitae Variant Classification Sherloc (09022015). Collection method: clinical testing. Allele origin: germline.
Comment: This sequence change replaces serine, which is neutral and polar, with leucine, which is neutral and non-polar, at codon 281 of the PHKB protein (p.Ser281Leu). This variant is not present in population databases (gnomAD no frequency). This variant has not been reported in the literature in individuals affected with PHKB-related conditions. Algorithms developed to predict the effect of missense changes on protein structure and function (SIFT, PolyPhen-2, Align-GVGD) all suggest that this variant is likely to be disruptive. In summary, the available evidence is currently insufficient to determine the role of this variant in disease. Therefore, it has been classified as a Variant of Uncertain Significance.

NM_000293.3(PHKB):c.842C>T (p.Ser281Leu)

Gene: PHKB (phosphorylase kinase regulatory subunit beta; plus strand). Cytogenetic location: 16q12.1.
Variant type: single nucleotide variant.
Coding change: c.842C>T on transcript NM_000293.3 (MANE Select); coding-DNA position 842, C replaced by T.
Protein change: p.Ser281Leu; replaces serine 281 with leucine.
Molecular consequence: missense variant.
Genome position (GRCh38, 1-based): chr16:47,587,735, C>T. VCF-style: chr16-47587735-C-T. GRCh37 (hg19) VCF-style: chr16-47621646-C-T.
Other names: c.821C>T, p.Ser274Leu (NM_001031835.3); c.842C>T, p.Ser281Leu (NM_001363837.1); short protein forms S281L, S274L.
Identifiers: ClinVar variation 1924776 (VCV001924776.2), dbSNP rs1415936620, ClinGen allele CA395795447.